The following is an entry in ClinVar:

ClinVar aggregate classification (germline): Uncertain significance (1 of 4 stars; one submission).

Conditions:
Inflammatory skin and bowel disease, neonatal, 1. Identifiers: Orphanet 294023, MedGen C3280501, MONDO:0013693, OMIM 614328.

Allele frequency attached by ClinVar (database versions not stated): gnomAD 0.00004; gnomAD exomes 0.00004 and 0.00007; TOPMed 0.00004; ExAC 0.00006.
gnomAD v4.1: 62 of 1,614,046 alleles (0.0038%); highest among the groups gnomAD compares: Non-Finnish European, 0.00059%; 1 homozygote.

Submission:

Labcorp Genetics (formerly Invitae), Labcorp
Classification: Uncertain significance for Inflammatory skin and bowel disease, neonatal, 1. Last evaluated: 2022-10-17. Review status: criteria provided, single submitter. Criteria: Invitae Variant Classification Sherloc (09022015). Collection method: clinical testing. Allele origin: germline.
Comment: This sequence change replaces serine, which is neutral and polar, with asparagine, which is neutral and polar, at codon 504 of the ADAM17 protein (p.Ser504Asn). This variant is present in population databases (rs200446953, gnomAD 0.1%). This variant has not been reported in the literature in individuals affected with ADAM17-related conditions. ClinVar contains an entry for this variant (Variation ID: 571807). Algorithms developed to predict the effect of missense changes on protein structure and function output the following: SIFT: "Not Available"; PolyPhen-2: "Benign"; Align-GVGD: "Not Available". The asparagine amino acid residue is found in multiple mammalian species, which suggests that this missense change does not adversely affect protein function. In summary, the available evidence is currently insufficient to determine the role of this variant in disease. Therefore, it has been classified as a Variant of Uncertain Significance.

NM_003183.6(ADAM17):c.1511G>A (p.Ser504Asn)

Genes: ADAM17 (ADAM metallopeptidase domain 17; minus strand), IAH1 (isoamyl acetate hydrolyzing esterase 1 (putative); plus strand). Cytogenetic location: 2p25.1.
Variant type: single nucleotide variant.
Coding change: c.1511G>A on transcript NM_003183.6 (MANE Select); coding-DNA position 1511, G replaced by A.
Protein change: p.Ser504Asn; replaces serine 504 with asparagine.
Molecular consequence: missense variant.
Genome position (GRCh38, 1-based): chr2:9,505,199, C>T on the plus strand (G>A on the coding strand, the complement: ADAM17 is on the minus strand). VCF-style: chr2-9505199-C-T. GRCh37 (hg19) VCF-style: chr2-9645328-C-T.
Other names: c.1511G>A, p.Ser504Asn (LRG_1203t1); short protein forms S504N.
Identifiers: ClinVar variation 571807 (VCV000571807.8), dbSNP rs200446953, ClinGen allele CA1523491.
Genomic context (GRCh38, chr2:9,505,199, plus strand): 5'-CAAAATCCCTGTGGAGAGACTCCTCACCTGCACTGGACACCTTCCTTCAACGTGCAGTCG[C>T]TGTTGCAGCAGGTGTCGTTGTTCAGATACATGATGCCAGGATCACACTCTTCTCCTTCAT-3'
Protein context (NP_003174.3, residues 494-514): MYLNNDTCCN[Ser504Asn]DCTLKEGVQC